The following is an entry in ClinVar:

NM_020778.5(ALPK3):c.653C>T (p.Pro218Leu)

Gene: ALPK3 (alpha kinase 3; plus strand). Cytogenetic location: 15q25.3.
Variant type: single nucleotide variant.
Coding change: c.653C>T on transcript NM_020778.5 (MANE Select); coding-DNA position 653, C replaced by T.
Protein change: p.Pro218Leu; replaces proline 218 with leucine.
Molecular consequence: missense variant.
Genome position (GRCh38, 1-based): chr15:84,839,932, C>T. VCF-style: chr15-84839932-C-T. GRCh37 (hg19) VCF-style: chr15-85383163-C-T.
Other names: short protein forms P420L, P218L.
Identifiers: ClinVar variation 546110 (VCV000546110.19), dbSNP rs373555781, ClinGen allele CA7709029.

ClinVar aggregate classification (germline): Uncertain significance. Review status: criteria provided, multiple submitters, no conflicts (2 of 4 stars). 7 submissions from 7 submitters: Uncertain significance (5). 2 of the submissions do not count toward it. Last evaluated 2026-02-02.

Conditions:
Cardiovascular phenotype. Identifiers: MedGen CN230736.

Allele frequency attached by ClinVar (database versions not stated): ExAC 0.00008; ESP Exome Variant Server 0.00008; gnomAD exomes 0.00010; TOPMed 0.00012; gnomAD 0.00015 and 0.00017.
gnomAD v4.1: 261 of 1,613,604 alleles (0.016%); highest among the groups gnomAD compares: Non-Finnish European, 0.02%; 1 homozygote.

Submissions (7):

Women's Health and Genetics/Laboratory Corporation of America, LabCorp
Classification: Uncertain significance. Last evaluated: 2026-02-02. Review status: criteria provided, single submitter. Criteria: LabCorp Variant Classification Summary - May 2015. Collection method: clinical testing. Allele origin: germline.
Comment: Variant summary: ALPK3 c.653C>T (p.Pro218Leu), also reported as c.1259C>T p.Pro420Leu, results in a non-conservative amino acid change in the encoded protein sequence. Algorithms developed to predict the effect of missense changes on protein structure and function all suggest that this variant is likely to be disruptive. The variant allele was found at a frequency of 0.00016 in 1613604 control chromosomes in the gnomAD database, including 1 homozygote. This frequency is not significantly higher than estimated for disease-causing variants in ALPK3, allowing no conclusion about variant significance. However, the presence of a homozygous control is not consistent with the early onset/severe nature of autosomal recessive ALPK3-related condition(s). c.653C>T has been observed in the presumed heterozygous state individual(s) affected with Hypertrophic Cardiomyopathy (example, van Lint_2019, Herkert_2020) without strong evidence for causality. These report(s) do not provide unequivocal conclusions about association of the variant with ALPK3-related conditions. To our knowledge, no experimental evidence demonstrating an impact on protein function has been reported. The following publications have been ascertained in the context of this evaluation (PMID: 30847666, 41221624, 32480058). ClinVar contains an entry for this variant (Variation ID: 546110). Based on the evidence outlined above, the variant was classified as uncertain significance.

Labcorp Genetics (formerly Invitae), Labcorp
Classification: Uncertain significance. Last evaluated: 2026-01-19. Review status: criteria provided, single submitter. Criteria: Invitae Variant Classification Sherloc (09022015). Collection method: clinical testing. Allele origin: germline.
Comment: This sequence change replaces proline, which is neutral and non-polar, with leucine, which is neutral and non-polar, at codon 420 of the ALPK3 protein (p.Pro420Leu). This variant is present in population databases (rs373555781, gnomAD 0.02%). This missense change has been observed in individual(s) with unspecified or hypertrophic cardiomyopathy (PMID: 30847666, 32480058). ClinVar contains an entry for this variant (Variation ID: 546110). Invitae Evidence Modeling of protein sequence and biophysical properties (such as structural, functional, and spatial information, amino acid conservation, physicochemical variation, residue mobility, and thermodynamic stability) indicates that this missense variant is expected to disrupt ALPK3 protein function with a positive predictive value of 80%. In summary, the available evidence is currently insufficient to determine the role of this variant in disease. Therefore, it has been classified as a Variant of Uncertain Significance.

Ambry Genetics
Classification: Uncertain significance for Cardiovascular phenotype. Last evaluated: 2025-12-02. Review status: criteria provided, single submitter. Criteria: Ambry Variant Classification Scheme 2023. Collection method: clinical testing. Allele origin: germline.
Comment: The p.P420L variant (also known as c.1259C>T), located in coding exon 5 of the ALPK3 gene, results from a C to T substitution at nucleotide position 1259. The proline at codon 420 is replaced by leucine, an amino acid with similar properties. This variant was detected in a cardiomyopathy/arrhythmia genetic testing cohort; however, clinical details were limited, and additional cardiac variants were detected in some cases (van Lint FHM et al. Neth Heart J, 2019 Jun;27:304-309). This amino acid position is well conserved in available vertebrate species. In addition, the in silico prediction for this alteration is inconclusive. Since supporting evidence is limited at this time, the clinical significance of this alteration remains unclear.

Molecular Diagnostic Laboratory for Inherited Cardiovascular Disease, Montreal Heart Institute
Classification: Uncertain significance for Cardiovascular phenotype. Last evaluated: 2025-04-09. Review status: criteria provided, single submitter. Criteria: ACMG Guidelines, 2015. Collection method: clinical testing. Allele origin: germline. Affected: yes.

GeneDx
Classification: Uncertain significance. Last evaluated: 2024-05-15. Review status: criteria provided, single submitter. Criteria: GeneDx Variant Classification Process June 2021. Collection method: clinical testing. Allele origin: germline. Affected: yes.
Comment: In silico analysis supports that this missense variant has a deleterious effect on protein structure/function; Also known as c.1259 C>T p.(P420L); This variant is associated with the following publications: (PMID: 30847666, 32480058)

Clinical Genetics, Academic Medical Center
Classification: Uncertain significance. Review status: no assertion criteria provided. Collection method: clinical testing. Allele origin: germline. Affected: yes. Study: VKGL Data-share Consensus. Not counted in ClinVar's aggregate classification.

Diagnostic Laboratory, Department of Genetics, University Medical Center Groningen
Classification: Uncertain significance. Review status: no assertion criteria provided. Collection method: clinical testing. Allele origin: germline. Affected: yes. Study: VKGL Data-share Consensus. Not counted in ClinVar's aggregate classification.

Literature cited by the submitters: PubMed 30847666 (cited by 3 submitters); PubMed 32480058 (cited by Women's Health and Genetics/Laboratory Corporation of America, LabCorp and Labcorp Genetics (formerly Invitae), Labcorp); PubMed 41221624 (cited by Women's Health and Genetics/Laboratory Corporation of America, LabCorp).